The following is an entry in ClinVar:

ClinVar aggregate classification (germline): Benign/Likely benign. Review status: criteria provided, multiple submitters, no conflicts (2 of 4 stars). 8 submissions from 8 submitters: Benign (1); Likely benign (5). 2 of the submissions do not count toward it. Last evaluated 2026-09-01.

Conditions:
Inborn genetic diseases. Identifiers: MedGen C0950123, MeSH D030342.
NEFH-related disorder. Also called: NEFH-related condition.

Allele frequency attached by ClinVar (database versions not stated): 1000 Genomes Project 0.00080; 1000 Genomes Project 30x 0.00094; TOPMed 0.00213; ESP Exome Variant Server 0.00354.
gnomAD v4.1: 5,003 of 1,613,788 alleles (0.31%); highest among the groups gnomAD compares: Non-Finnish European, 0.38%; 12 homozygotes.

Submissions (8):

CeGaT Center for Human Genetics Tuebingen
Classification: Likely benign. Last evaluated: 2026-09-01. Review status: criteria provided, single submitter. Criteria: CeGaT Center For Human Genetics Tuebingen Variant Classification Criteria Version 2. Collection method: clinical testing. Allele origin: germline. Affected: yes. Observed: 16 variant alleles.
Comment: NEFH: BS2

Labcorp Genetics (formerly Invitae), Labcorp
Classification: Likely benign. Last evaluated: 2026-01-28. Review status: criteria provided, single submitter. Criteria: Invitae Variant Classification Sherloc (09022015). Collection method: clinical testing. Allele origin: germline.

Blueprint Genetics
Classification: Likely benign. Last evaluated: 2024-11-18. Review status: criteria provided, single submitter. Criteria: ACMG Guidelines, 2015. Collection method: clinical testing. Allele origin: germline.

Mayo Clinic Laboratories, Mayo Clinic
Classification: Benign. Last evaluated: 2023-07-31. Review status: criteria provided, single submitter. Criteria: ACMG Guidelines, 2015. Collection method: clinical testing. Allele origin: germline. Observed: 6 variant alleles.
Comment: BS1, BS2

Ambry Genetics
Classification: Likely benign for Inborn genetic diseases. Last evaluated: 2019-09-06. Review status: criteria provided, single submitter. Criteria: Ambry Variant Classification Scheme 2023. Collection method: clinical testing. Allele origin: germline.

Breakthrough Genomics
Classification: Likely benign. Review status: criteria provided, single submitter. Criteria: ACMG Guidelines, 2015. Collection method: not provided. Allele origin: germline. Inheritance: Autosomal recessive inheritance. Affected: yes.

PreventionGenetics, part of Exact Sciences
Classification: Likely benign for NEFH-related condition. Last evaluated: 2020-03-16. Review status: no assertion criteria provided. Collection method: clinical testing. Allele origin: germline. Not counted in ClinVar's aggregate classification.
Comment: This variant is classified as likely benign based on ACMG/AMP sequence variant interpretation guidelines (Richards et al. 2015 PMID: 25741868, with internal and published modifications).

Epithelial Biology;  Institute of Medical Biology, Singapore
No classification provided. Review status: no classification provided. Collection method: not provided. Allele origin: not provided. Not counted in ClinVar's aggregate classification.

Literature cited by the submitters: PubMed 32638105 (cited by Mayo Clinic Laboratories, Mayo Clinic); PubMed 37152709 (cited by Mayo Clinic Laboratories, Mayo Clinic).

NM_021076.4(NEFH):c.1054C>A (p.Arg352Ser)

Gene: NEFH (neurofilament heavy chain; plus strand). Cytogenetic location: 22q12.2.
Variant type: single nucleotide variant.
Coding change: c.1054C>A on transcript NM_021076.4 (MANE Select); coding-DNA position 1054, C replaced by A.
Protein change: p.Arg352Ser; replaces arginine 352 with serine.
Molecular consequence: missense variant.
Genome position (GRCh38, 1-based): chr22:29,483,545, C>A. VCF-style: chr22-29483545-C-A. GRCh37 (hg19) VCF-style: chr22-29879534-C-A.
Other names: p.Arg352Ser; short protein forms R352S.
Identifiers: ClinVar variation 66725 (VCV000066725.59), dbSNP rs149955255, ClinGen allele CA217624.